The following is an entry in ClinVar:

ClinVar aggregate classification (germline): Uncertain significance (1 of 4 stars; one submission).

Allele frequency attached by ClinVar (database versions not stated): ExAC 0.00001; gnomAD exomes 0.00002; TOPMed 0.00002; gnomAD 0.00003.
gnomAD v4.1: 32 of 1,611,358 alleles (0.002%); highest among the groups gnomAD compares: Non-Finnish European, 0.0027%; no homozygotes.

Submission:

Labcorp Genetics (formerly Invitae), Labcorp
Classification: Uncertain significance. Last evaluated: 2022-07-12. Review status: criteria provided, single submitter. Criteria: Invitae Variant Classification Sherloc (09022015). Collection method: clinical testing. Allele origin: germline.
Comment: This sequence change replaces leucine, which is neutral and non-polar, with valine, which is neutral and non-polar, at codon 385 of the CACNA1B protein (p.Leu385Val). This variant is present in population databases (rs759775042, gnomAD 0.004%). This variant has not been reported in the literature in individuals affected with CACNA1B-related conditions. Advanced modeling of protein sequence and biophysical properties (such as structural, functional, and spatial information, amino acid conservation, physicochemical variation, residue mobility, and thermodynamic stability) performed at Invitae indicates that this missense variant is expected to disrupt CACNA1B protein function. Algorithms developed to predict the effect of sequence changes on RNA splicing suggest that this variant may create or strengthen a splice site. In summary, the available evidence is currently insufficient to determine the role of this variant in disease. Therefore, it has been classified as a Variant of Uncertain Significance.

NM_000718.4(CACNA1B):c.1153C>G (p.Leu385Val)

Gene: CACNA1B (calcium voltage-gated channel subunit alpha1 B; plus strand). Cytogenetic location: 9q34.3.
Variant type: single nucleotide variant.
Coding change: c.1153C>G on transcript NM_000718.4 (MANE Select); coding-DNA position 1153, C replaced by G.
Protein change: p.Leu385Val; replaces leucine 385 with valine.
Molecular consequence: missense variant.
Genome position (GRCh38, 1-based): chr9:137,955,780, C>G. VCF-style: chr9-137955780-C-G. GRCh37 (hg19) VCF-style: chr9-140850232-C-G.
Other names: c.1153C>G, p.Leu385Val (NM_001243812.2); short protein forms L385V.
Identifiers: ClinVar variation 1901099 (VCV001901099.2), dbSNP rs759775042, ClinGen allele CA5376052.